The following is an entry in ClinVar:

ClinVar aggregate classification (germline): Benign/Likely benign. Review status: criteria provided, multiple submitters, no conflicts (2 of 4 stars). 3 submissions from 3 submitters: Benign (1); Likely benign (2). Last evaluated 2025-04-21.

Conditions:
Hereditary cancer-predisposing syndrome. Also called: Neoplastic Syndromes, Hereditary; Hereditary neoplastic syndrome; Hereditary Cancer Syndrome; Tumor predisposition. Identifiers: Orphanet 140162, MedGen C0027672, MeSH D009386, MONDO:0015356.
Hereditary diffuse gastric adenocarcinoma (HDGC). Also called: DIFFUSE GASTRIC AND LOBULAR BREAST CANCER SYNDROME. Identifiers: Orphanet 26106, MedGen C1708349, MONDO:0007648, OMIM 137215.

gnomAD v4.1: 3 of 1,614,226 alleles (0.00019%); highest among the groups gnomAD compares: Non-Finnish European, 0.00025%; no homozygotes.

Submissions (3):

Labcorp Genetics (formerly Invitae), Labcorp
Classification: Likely benign for Hereditary diffuse gastric adenocarcinoma. Last evaluated: 2025-04-21. Review status: criteria provided, single submitter. Criteria: Invitae Variant Classification Sherloc (09022015). Collection method: clinical testing. Allele origin: germline.

Myriad Genetics, Inc.
Classification: Benign for Hereditary diffuse gastric adenocarcinoma. Last evaluated: 2024-09-18. Review status: criteria provided, single submitter. Criteria: Myriad Autosomal Dominant, Autosomal Recessive and X-Linked Classification Criteria (2023). Collection method: clinical testing. Allele origin: unknown.
Comment: This variant is considered benign. This variant is a silent/synonymous amino acid change and it is not expected to impact splicing.

Ambry Genetics
Classification: Likely benign for Hereditary cancer-predisposing syndrome. Last evaluated: 2021-10-06. Review status: criteria provided, single submitter. Criteria: Ambry Variant Classification Scheme 2023. Collection method: clinical testing. Allele origin: germline.

NM_004360.5(CDH1):c.1404C>T (p.Thr468=)

Gene: CDH1 (cadherin 1; plus strand). Cytogenetic location: 16q22.1.
Variant type: single nucleotide variant.
Coding change: c.1404C>T on transcript NM_004360.5 (MANE Select); coding-DNA position 1404, C replaced by T.
Protein change: p.Thr468=; no amino-acid change (threonine 468 retained).
Molecular consequence: synonymous variant. On other transcripts: 5 prime UTR variant (2).
Genome position (GRCh38, 1-based): chr16:68,815,598, C>T. VCF-style: chr16-68815598-C-T. GRCh37 (hg19) VCF-style: chr16-68849501-C-T.
Other names: c.1221C>T, p.Thr407= (NM_001317184.2); c.-145C>T (NM_001317185.2); c.-416C>T (NM_001317186.2).
Identifiers: ClinVar variation 1082067 (VCV001082067.12), dbSNP rs1555516122, ClinGen allele CA496153965.